The following is an entry in ClinVar:

ClinVar aggregate classification (germline): Conflicting classifications of pathogenicity. Review status: criteria provided, conflicting classifications (1 of 4 stars). 7 submissions from 7 submitters: Uncertain significance (3); Likely benign (3). 1 of the submissions does not count toward it. Last evaluated 2026-08-01.

Conditions:
COL9A2-related disorder. Also called: COL9A2-related condition.
Inborn genetic diseases. Identifiers: MedGen C0950123, MeSH D030342.

Allele frequency attached by ClinVar (database versions not stated): gnomAD exomes 0.00007 and 0.00025; ESP Exome Variant Server 0.00039; ExAC 0.00057; gnomAD 0.00069; 1000 Genomes Project 30x 0.00125; 1000 Genomes Project 0.00140.
gnomAD v4.1: 210 of 1,539,952 alleles (0.014%); highest among the groups gnomAD compares: African/African-American, 0.22%; no homozygotes.

Submissions (7):

GeneDx
Classification: Uncertain significance. Last evaluated: 2026-08-01. Review status: criteria provided, single submitter. Criteria: GeneDx Variant Classification Process June 2021. Collection method: clinical testing. Allele origin: germline.
Comment: Has not been previously published as pathogenic or benign to our knowledge; In silico analysis supports that this missense variant has a deleterious effect on protein structure/function

Labcorp Genetics (formerly Invitae), Labcorp
Classification: Likely benign. Last evaluated: 2025-12-24. Review status: criteria provided, single submitter. Criteria: Invitae Variant Classification Sherloc (09022015). Collection method: clinical testing. Allele origin: germline.

Blueprint Genetics
Classification: Likely benign. Last evaluated: 2024-11-13. Review status: criteria provided, single submitter. Criteria: ACMG Guidelines, 2015. Collection method: clinical testing. Allele origin: germline.

CeGaT Center for Human Genetics Tuebingen
Classification: Uncertain significance. Last evaluated: 2024-11-01. Review status: criteria provided, single submitter. Criteria: CeGaT Center For Human Genetics Tuebingen Variant Classification Criteria Version 2. Collection method: clinical testing. Allele origin: germline. Affected: yes. Observed: 1 variant allele.
Comment: COL9A2: PM2

Ambry Genetics
Classification: Uncertain significance for Inborn genetic diseases. Last evaluated: 2024-09-30. Review status: criteria provided, single submitter. Criteria: Ambry Variant Classification Scheme 2023. Collection method: clinical testing. Allele origin: germline.

Women's Health and Genetics/Laboratory Corporation of America, LabCorp
Classification: Likely benign. Last evaluated: 2024-07-22. Review status: criteria provided, single submitter. Criteria: LabCorp Variant Classification Summary - May 2015. Collection method: clinical testing. Allele origin: germline.
Comment: Variant summary: COL9A2 c.1621G>A (p.Ala541Thr) results in a non-conservative amino acid change in the encoded protein sequence. Four of five in-silico tools predict a damaging effect of the variant on protein function. The variant allele was found at a frequency of 0.00025 in 152816 control chromosomes, predominantly at a frequency of 0.003 within the African or African-American subpopulation in the gnomAD database. The observed variant frequency within African or African-American control individuals in the gnomAD database exceeds the estimated maximal expected allele frequency for a pathogenic variant in COL9A2 causing Epiphyseal dysplasia, multiple, 2 phenotype. To our knowledge, no occurrence of c.1621G>A in individuals affected with Epiphyseal dysplasia, multiple, 2 and no experimental evidence demonstrating its impact on protein function have been reported. ClinVar contains an entry for this variant (Variation ID: 1081839). Based on the evidence outlined above, the variant was classified as likely benign.

PreventionGenetics, part of Exact Sciences
Classification: Likely benign for COL9A2-related condition. Last evaluated: 2022-05-11. Review status: no assertion criteria provided. Collection method: clinical testing. Allele origin: germline. Not counted in ClinVar's aggregate classification.
Comment: This variant is classified as likely benign based on ACMG/AMP sequence variant interpretation guidelines (Richards et al. 2015 PMID: 25741868, with internal and published modifications).

NM_001852.4(COL9A2):c.1621G>A (p.Ala541Thr)

Gene: COL9A2 (collagen type IX alpha 2 chain; minus strand). Cytogenetic location: 1p34.2.
Variant type: single nucleotide variant.
Coding change: c.1621G>A on transcript NM_001852.4 (MANE Select); coding-DNA position 1621, G replaced by A.
Protein change: p.Ala541Thr; replaces alanine 541 with threonine.
Molecular consequence: missense variant.
Genome position (GRCh38, 1-based): chr1:40,302,792, C>T on the plus strand (G>A on the coding strand, the complement: COL9A2 is on the minus strand). VCF-style: chr1-40302792-C-T. GRCh37 (hg19) VCF-style: chr1-40768464-C-T.
Other names: short protein forms A541T.
Identifiers: ClinVar variation 1081839 (VCV001081839.32), dbSNP rs200325312, ClinGen allele CA791363.